The following is an entry in ClinVar:

ClinVar aggregate classification (germline): Uncertain significance (1 of 4 stars; one submission).

Submission:

Labcorp Genetics (formerly Invitae), Labcorp
Classification: Uncertain significance. Last evaluated: 2024-03-13. Review status: criteria provided, single submitter. Criteria: Invitae Variant Classification Sherloc (09022015). Collection method: clinical testing. Allele origin: germline.
Comment: This sequence change falls in intron 9 of the UROD gene. It does not directly change the encoded amino acid sequence of the UROD protein. This variant is not present in population databases (gnomAD no frequency). This variant has not been reported in the literature in individuals affected with UROD-related conditions. Algorithms developed to predict the effect of sequence changes on RNA splicing suggest that this variant may disrupt the consensus splice site. In summary, the available evidence is currently insufficient to determine the role of this variant in disease. Therefore, it has been classified as a Variant of Uncertain Significance.

NM_000374.5(UROD):c.943-14T>A

Gene: UROD (uroporphyrinogen decarboxylase; plus strand). Cytogenetic location: 1p34.1.
Variant type: single nucleotide variant.
Coding change: c.943-14T>A on transcript NM_000374.5 (MANE Select); 14 bases into the intron before coding-DNA position 943, T replaced by A.
Molecular consequence: intron variant.
Genome position (GRCh38, 1-based): chr1:45,015,323, T>A. VCF-style: chr1-45015323-T-A. GRCh37 (hg19) VCF-style: chr1-45480995-T-A.
Identifiers: ClinVar variation 3645855 (VCV003645855.2).